The following is an entry in ClinVar:

ClinVar aggregate classification (germline): Likely benign (1 of 4 stars; one submission).

gnomAD v4.1: 31 of 44,202 alleles (0.07%); highest among the groups gnomAD compares: African/African-American, 0.59%; 9 homozygotes.

Submission:

CeGaT Center for Human Genetics Tuebingen
Classification: Likely benign. Last evaluated: 2026-06-01. Review status: criteria provided, single submitter. Criteria: CeGaT Center For Human Genetics Tuebingen Variant Classification Criteria Version 2. Collection method: clinical testing. Allele origin: germline. Affected: yes. Observed: 1 variant allele.
Comment: TYMS: BS2

NM_001071.4(TYMS):c.455-1525T>C

Genes: ENOSF1 (enolase superfamily member 1; minus strand), TYMS (thymidylate synthetase; plus strand). Cytogenetic location: 18p11.32.
Variant type: single nucleotide variant.
Coding change: c.455-1525T>C on transcript NM_001071.4 (MANE Select); 1525 bases into the intron before coding-DNA position 455, T replaced by C.
Molecular consequence: intron variant.
Genome position (GRCh38, 1-based): chr18:667,547, T>C. VCF-style: chr18-667547-T-C. GRCh37 (hg19) VCF-style: chr18-667547-T-C.
Other names: c.455-3145T>C (NM_001354867.2); c.206-1525T>C (NM_001354868.2).
Identifiers: ClinVar variation 4874166 (VCV004874166.2).